The following is an entry in ClinVar:

NM_001384140.1(PCDH15):c.298G>T (p.Gly100Ter)

Gene: PCDH15 (protocadherin related 15; minus strand). Cytogenetic location: 10q21.1.
Variant type: single nucleotide variant.
Coding change: c.298G>T on transcript NM_001384140.1 (MANE Select); coding-DNA position 298, G replaced by T.
Protein change: p.Gly100Ter; replaces glycine 100 with a stop codon.
Molecular consequence: nonsense.
Genome position (GRCh38, 1-based): chr10:54,378,802, C>A on the plus strand (G>T on the coding strand, the complement: PCDH15 is on the minus strand). VCF-style: chr10-54378802-C-A. GRCh37 (hg19) VCF-style: chr10-56138562-C-A.
Other names: c.313G>T, p.Gly105Ter (NM_001142763.2, NM_001142769.4, NM_001142771.2); c.298G>T, p.Gly100Ter (NM_001142764.2, NM_001142765.2, NM_001142766.2 and 8 more transcripts); c.232G>T, p.Gly78Ter (NM_001142768.2, NM_001142773.2, NM_001354404.2); short protein forms G100*, G105*, G78*.
Identifiers: ClinVar variation 3601616 (VCV003601616.1).

ClinVar aggregate classification (germline): Pathogenic (1 of 4 stars; one submission).

Conditions:
Autosomal recessive nonsyndromic hearing loss 23. Identifiers: Orphanet 90636, MedGen C1836027, MONDO:0012293, OMIM 609533.

Submission:

Institute of Rare Diseases, West China Hospital, Sichuan University
Classification: Pathogenic for Autosomal recessive nonsyndromic hearing loss 23. Last evaluated: 2025-01-09. Review status: criteria provided, single submitter. Criteria: ClinGen HL ACMG Specifications v1. Collection method: research. Allele origin: germline. Affected: yes.
Comment: PVS1;PM3_Supporting;PM2_Supporting